The following is an entry in ClinVar:

ClinVar aggregate classification (germline): Likely benign. Review status: criteria provided, multiple submitters, no conflicts (2 of 4 stars). 2 submissions from 2 submitters: Likely benign (2). Last evaluated 2018-06-16.

Allele frequency attached by ClinVar (database versions not stated): gnomAD exomes 0.00073; gnomAD 0.00788 and 0.00830; TOPMed 0.00920; 1000 Genomes Project 0.00978; 1000 Genomes Project 30x 0.01140.
gnomAD v4.1: 2,222 of 1,523,666 alleles (0.15%); highest among the groups gnomAD compares: African/African-American, 2.8%; 30 homozygotes.

Submissions (2):

GeneDx
Classification: Likely benign. Last evaluated: 2018-06-16. Review status: criteria provided, single submitter. Criteria: GeneDx Variant Classification (06012015). Collection method: clinical testing. Allele origin: germline. Affected: yes.
Comment: This variant is considered likely benign or benign based on one or more of the following criteria: it is a conservative change, it occurs at a poorly conserved position in the protein, it is predicted to be benign by multiple in silico algorithms, and/or has population frequency not consistent with disease.

Breakthrough Genomics
Classification: Likely benign. Review status: criteria provided, single submitter. Criteria: ACMG Guidelines, 2015. Collection method: not provided. Allele origin: germline. Inheritance: Autosomal recessive inheritance. Affected: yes.

NM_003331.5(TYK2):c.193+71G>A

Gene: TYK2 (tyrosine kinase 2; minus strand). Cytogenetic location: 19p13.2.
Variant type: single nucleotide variant.
Coding change: c.193+71G>A on transcript NM_003331.5 (MANE Select); 71 bases into the intron after coding-DNA position 193, G replaced by A.
Molecular consequence: intron variant.
Genome position (GRCh38, 1-based): chr19:10,378,143, C>T on the plus strand (G>A on the coding strand, the complement: TYK2 is on the minus strand). VCF-style: chr19-10378143-C-T. GRCh37 (hg19) VCF-style: chr19-10488819-C-T.
Identifiers: ClinVar variation 678418 (VCV000678418.2), dbSNP rs12720224, ClinGen allele CA305220114.